The following is an entry in ClinVar:

NM_001130438.3(SPTAN1):c.5969C>A (p.Ala1990Glu)

Gene: SPTAN1 (spectrin alpha, non-erythrocytic 1; plus strand). Cytogenetic location: 9q34.11.
Variant type: single nucleotide variant.
Coding change: c.5969C>A on transcript NM_001130438.3 (MANE Select); coding-DNA position 5969, C replaced by A.
Protein change: p.Ala1990Glu; replaces alanine 1990 with glutamic acid.
Molecular consequence: missense variant.
Genome position (GRCh38, 1-based): chr9:128,624,464, C>A. VCF-style: chr9-128624464-C-A. GRCh37 (hg19) VCF-style: chr9-131386743-C-A.
Other names: c.5894C>A, p.Ala1965Glu (NM_001195532.2); c.5969C>A, p.Ala1990Glu (NM_001363759.2, NM_001375310.1, NM_001375311.2 and 1 more transcripts); c.5909C>A, p.Ala1970Glu (NM_001363765.2, NM_001375314.2); c.6005C>A, p.Ala2002Glu (NM_001375312.2, NM_001375318.1); c.5954C>A, p.Ala1985Glu (NM_003127.4); short protein forms A1965E, A1970E, A1985E, A1990E, A2002E.
Identifiers: ClinVar variation 3614243 (VCV003614243.2).
Genomic context (GRCh38, chr9:128,624,464, plus strand): 5'-CAGCCCAGAGAAAGGCGAAGCTGGATGAGAACTCGGCCTTCCTTCAGTTCAACTGGAAGG[C>A]GGACGTGGTGGAGTCCTGGATCGGTGAGCACTGTCAGCAAGGCCCGGAAGAGCCTTCCCA-3'
Protein context (NP_001123910.1, residues 1980-2000): NSAFLQFNWK[Ala1990Glu]DVVESWIGEK

ClinVar aggregate classification (germline): Uncertain significance (1 of 4 stars; one submission).

Conditions:
Early-infantile DEE. Also called: Early infantile epileptic encephalopathy; Ohtahara syndrome; Early infantile epileptic encephalopathy with suppression bursts. Identifiers: Orphanet 1934, MedGen C0393706, MONDO:0800491.

Submission:

Labcorp Genetics (formerly Invitae), Labcorp
Classification: Uncertain significance for Early-infantile DEE. Last evaluated: 2024-04-08. Review status: criteria provided, single submitter. Criteria: Invitae Variant Classification Sherloc (09022015). Collection method: clinical testing. Allele origin: germline.
Comment: This sequence change replaces alanine, which is neutral and non-polar, with glutamic acid, which is acidic and polar, at codon 1990 of the SPTAN1 protein (p.Ala1990Glu). This variant is not present in population databases (gnomAD no frequency). This variant has not been reported in the literature in individuals affected with SPTAN1-related conditions. Advanced modeling of protein sequence and biophysical properties (such as structural, functional, and spatial information, amino acid conservation, physicochemical variation, residue mobility, and thermodynamic stability) has been performed at Invitae for this missense variant, however the output from this modeling did not meet the statistical confidence thresholds required to predict the impact of this variant on SPTAN1 protein function. In summary, the available evidence is currently insufficient to determine the role of this variant in disease. Therefore, it has been classified as a Variant of Uncertain Significance.